The following is an entry in ClinVar:

ClinVar aggregate classification (germline): Conflicting classifications of pathogenicity. Review status: criteria provided, conflicting classifications (1 of 4 stars). 7 submissions from 7 submitters: Uncertain significance (1); Likely benign (2). 4 of the submissions do not count toward it. Last evaluated 2026-08-01.

Conditions:
TFR2-related disorder. Also called: TFR2-related condition.
Hereditary hemochromatosis (HFE). Identifiers: MedGen C0392514, MONDO:0006507. Disease mechanism: loss of function.
Hemochromatosis type 3 (HFE3). Also called: HEMOCHROMATOSIS DUE TO DEFECT IN TRANSFERRIN RECEPTOR 2; Hereditary hemochromatosis type 3; TFR2-Related Hemochromatosis. Identifiers: Orphanet 225123, MedGen C1858664, MONDO:0011417, OMIM 604250.
Hemochromatosis, type 1, modifier of.

Allele frequency attached by ClinVar (database versions not stated): gnomAD exomes 0.00194 and 0.00315; 1000 Genomes Project 0.00180; ExAC 0.00204; TOPMed 0.00160; 1000 Genomes Project 30x 0.00187; gnomAD 0.00212 and 0.00218.
gnomAD v4.1: 4,856 of 1,614,034 alleles (0.3%); highest among the groups gnomAD compares: Non-Finnish European, 0.37%; 5 homozygotes.

Submissions (7):

CeGaT Center for Human Genetics Tuebingen
Classification: Likely benign. Last evaluated: 2026-08-01. Review status: criteria provided, single submitter. Criteria: CeGaT Center For Human Genetics Tuebingen Variant Classification Criteria Version 2. Collection method: clinical testing. Allele origin: germline. Affected: yes. Observed: 6 variant alleles.
Comment: TFR2: BP4

Labcorp Genetics (formerly Invitae), Labcorp
Classification: Likely benign for Hereditary hemochromatosis. Last evaluated: 2026-01-28. Review status: criteria provided, single submitter. Criteria: Invitae Variant Classification Sherloc (09022015). Collection method: clinical testing. Allele origin: germline.

Illumina Laboratory Services, Illumina
Classification: Uncertain significance for Hemochromatosis type 3. Last evaluated: 2017-04-27. Review status: criteria provided, single submitter. Criteria: ICSL Variant Classification Criteria 13 December 2019. Collection method: clinical testing. Allele origin: germline.
Comment: This variant was observed as part of a predisposition screen in an ostensibly healthy population. A literature search was performed for the gene, cDNA change, and amino acid change (where applicable). Publications were found based on this search. However, the evidence from the literature, in combination with allele frequency data from public databases where available, was not sufficient to rule this variant in or out of causing disease. Therefore, this variant is classified as a variant of unknown significance.

PreventionGenetics, part of Exact Sciences
Classification: Likely benign for TFR2-related condition. Last evaluated: 2020-10-09. Review status: no assertion criteria provided. Collection method: clinical testing. Allele origin: germline. Not counted in ClinVar's aggregate classification.
Comment: This variant is classified as likely benign based on ACMG/AMP sequence variant interpretation guidelines (Richards et al. 2015 PMID: 25741868, with internal and published modifications).

Natera, Inc.
Classification: Benign for Hereditary hemochromatosis type 3. Last evaluated: 2020-04-16. Review status: no assertion criteria provided. Collection method: clinical testing. Allele origin: germline. Not counted in ClinVar's aggregate classification.

OMIM
Classification: risk factor for HEMOCHROMATOSIS, TYPE 1, MODIFIER OF. Last evaluated: 2002-08-01. Review status: no assertion criteria provided. Collection method: literature only. Allele origin: germline. Not counted in ClinVar's aggregate classification.

GeneReviews
No classification provided. Condition: Hemochromatosis type 3. Review status: no classification provided. Collection method: literature only. Allele origin: unknown. Not counted in ClinVar's aggregate classification.

Literature cited by the submitters: PubMed 16424658 (cited by Illumina Laboratory Services, Illumina); PubMed 12150153 (cited by 3 submitters); PubMed 20301523 (cited by GeneReviews); NCBI Bookshelf NBK1349 (cited by GeneReviews).

NM_003227.4(TFR2):c.1364G>A (p.Arg455Gln)

Gene: TFR2 (transferrin receptor 2; minus strand). Cytogenetic location: 7q22.1.
Variant type: single nucleotide variant.
Coding change: c.1364G>A on transcript NM_003227.4 (MANE Select); coding-DNA position 1364, G replaced by A.
Protein change: p.Arg455Gln; replaces arginine 455 with glutamine.
Molecular consequence: missense variant.
Genome position (GRCh38, 1-based): chr7:100,629,279, C>T on the plus strand (G>A on the coding strand, the complement: TFR2 is on the minus strand). VCF-style: chr7-100629279-C-T. GRCh37 (hg19) VCF-style: chr7-100226902-C-T.
Other names: c.851G>A, p.Arg284Gln (NM_001206855.3); short protein forms R455Q, R284Q.
Identifiers: ClinVar variation 5383 (VCV000005383.63), dbSNP rs41303501, ClinGen allele CA117472.
Genomic context (GRCh38, chr7:100,629,279, plus strand): 5'-CTAGCCCAGGCCCAGGCCCTGGCCCTGACCTTACCGTTGCTCACCATGGAGGAAAAGGTC[C>T]GCACCAGCTCCAGGAGTATAGCCGTCCCCACAGCGGATTTAGCTGCTCCTGGGCCCCATG-3'
Protein context (NP_003218.2, residues 445-465): VGTAILLELV[Arg455Gln]TFSSMVSNGF